The following is an entry in ClinVar:

ClinVar aggregate classification (germline): Pathogenic (1 of 4 stars; one submission).

Conditions:
Tumor predisposition syndrome 2 (TPDS2). Also called: MBD4-ASSOCIATED NEOPLASIA SYNDROME; MBD4-Related Tumor Predisposition Syndrome; MBD4-associated neoplasia syndrome (MANS). Identifiers: Orphanet 661526, MedGen C5774186, MONDO:0859267, OMIM 619975.

Submission:

Myriad Genetics, Inc.
Classification: Pathogenic for Tumor predisposition syndrome 2. Last evaluated: 2026-09-16. Review status: criteria provided, single submitter. Criteria: Myriad Autosomal Dominant, Autosomal Recessive and X-Linked Classification Criteria (2023). Collection method: clinical testing. Allele origin: unknown.
Comment: This variant is considered pathogenic. This variant creates a termination codon and is predicted to result in premature protein truncation.

NM_001276270.2(MBD4):c.934A>T (p.Lys312Ter)

Gene: MBD4 (methyl-CpG binding domain 4, DNA glycosylase; minus strand). Cytogenetic location: 3q21.3.
Variant type: single nucleotide variant.
Coding change: c.934A>T on transcript NM_001276270.2 (MANE Select); coding-DNA position 934, A replaced by T.
Protein change: p.Lys312Ter; replaces lysine 312 with a stop codon.
Molecular consequence: nonsense. On other transcripts: intron variant (1).
Genome position (GRCh38, 1-based): chr3:129,436,710, T>A on the plus strand (A>T on the coding strand, the complement: MBD4 is on the minus strand). VCF-style: chr3-129436710-T-A. GRCh37 (hg19) VCF-style: chr3-129155553-T-A.
Other names: c.934A>T, p.Lys312Ter (NM_001276271.2, NM_001276272.2, NM_003925.3); c.247+1098A>T (NM_001276273.2); short protein forms K312*.
Identifiers: ClinVar variation 5042290 (VCV005042290.1).